The following is an entry in ClinVar:

ClinVar aggregate classification (germline): Likely benign (0 of 4 stars; one submission).

Conditions:
MUC16-related disorder. Also called: MUC16-related condition.

Allele frequency attached by ClinVar (database versions not stated): TOPMed 0.00001; ExAC 0.00002; gnomAD 0.00002.

Submission:

PreventionGenetics, part of Exact Sciences
Classification: Likely benign for MUC16-related condition. Last evaluated: 2021-04-27. Review status: no assertion criteria provided. Collection method: clinical testing. Allele origin: germline.
Comment: This variant is classified as likely benign based on ACMG/AMP sequence variant interpretation guidelines (Richards et al. 2015 PMID: 25741868, with internal and published modifications).

NM_001401501.2(MUC16):c.12000C>T (p.Ser4000=)

Gene: MUC16 (mucin 16, cell surface associated; minus strand). Cytogenetic location: 19p13.2.
Variant type: single nucleotide variant.
Coding change: c.12000C>T on transcript NM_001401501.2 (MANE Select); coding-DNA position 12000, C replaced by T.
Protein change: p.Ser4000=; no amino-acid change (serine 4000 retained).
Molecular consequence: synonymous variant.
Genome position (GRCh38, 1-based): chr19:8,964,890, G>A on the plus strand (C>T on the coding strand, the complement: MUC16 is on the minus strand). VCF-style: chr19-8964890-G-A. GRCh37 (hg19) VCF-style: chr19-9075566-G-A.
Other names: c.12426C>T, p.Ser4142= (NM_001414686.1); c.11880C>T, p.Ser3960= (NM_001414687.1, NM_024690.2).
Identifiers: ClinVar variation 3030505 (VCV003030505.2), dbSNP rs772436413, ClinGen allele CA9171155.